The following is an entry in ClinVar:

NM_004370.6(COL12A1):c.3122C>G (p.Ala1041Gly)

Gene: COL12A1 (collagen type XII alpha 1 chain; minus strand). Cytogenetic location: 6q13.
Variant type: single nucleotide variant.
Coding change: c.3122C>G on transcript NM_004370.6 (MANE Select); coding-DNA position 3122, C replaced by G.
Protein change: p.Ala1041Gly; replaces alanine 1041 with glycine.
Molecular consequence: missense variant. On other transcripts: intron variant (1).
Genome position (GRCh38, 1-based): chr6:75,156,385, G>C on the plus strand (C>G on the coding strand, the complement: COL12A1 is on the minus strand). VCF-style: chr6-75156385-G-C. GRCh37 (hg19) VCF-style: chr6-75866101-G-C.
Other names: c.74-3903C>G (NM_080645.3); short protein forms A1041G.
Identifiers: ClinVar variation 2072223 (VCV002072223.4), dbSNP rs2533426652, ClinGen allele CA364754014.

ClinVar aggregate classification (germline): Uncertain significance (1 of 4 stars; one submission).

Conditions:
Ullrich congenital muscular dystrophy 2 (UCMD2). Identifiers: Orphanet 75840, MedGen C4225314, MONDO:0014654, OMIM 616470.
Bethlem myopathy 2 (BTHLM2). Identifiers: Orphanet 536516, Orphanet 610, MedGen C4225313, MONDO:0034022, OMIM 616471.

Submission:

Labcorp Genetics (formerly Invitae), Labcorp
Classification: Uncertain significance for Bethlem myopathy 2; Ullrich congenital muscular dystrophy 2. Last evaluated: 2025-10-01. Review status: criteria provided, single submitter. Criteria: Invitae Variant Classification Sherloc (09022015). Collection method: clinical testing. Allele origin: germline.
Comment: This sequence change replaces alanine, which is neutral and non-polar, with glycine, which is neutral and non-polar, at codon 1041 of the COL12A1 protein (p.Ala1041Gly). This variant is not present in population databases (gnomAD no frequency). This variant has not been reported in the literature in individuals affected with COL12A1-related conditions. ClinVar contains an entry for this variant (Variation ID: 2072223). Invitae Evidence Modeling of protein sequence and biophysical properties (such as structural, functional, and spatial information, amino acid conservation, physicochemical variation, residue mobility, and thermodynamic stability) indicates that this missense variant is not expected to disrupt COL12A1 protein function with a negative predictive value of 80%. In summary, the available evidence is currently insufficient to determine the role of this variant in disease. Therefore, it has been classified as a Variant of Uncertain Significance.